The following is an entry in ClinVar:

NM_145331.3(MAP3K7):c.688G>A (p.Asp230Asn)

Gene: MAP3K7 (mitogen-activated protein kinase kinase kinase 7; minus strand). Cytogenetic location: 6q15.
Variant type: single nucleotide variant.
Coding change: c.688G>A on transcript NM_145331.3 (MANE Select); coding-DNA position 688, G replaced by A.
Protein change: p.Asp230Asn; replaces aspartic acid 230 with asparagine.
Molecular consequence: missense variant.
Genome position (GRCh38, 1-based): chr6:90,553,506, C>T on the plus strand (G>A on the coding strand, the complement: MAP3K7 is on the minus strand). VCF-style: chr6-90553506-C-T. GRCh37 (hg19) VCF-style: chr6-91263225-C-T.
Other names: c.688G>A, p.Asp230Asn (NM_003188.4, NM_145332.3, NM_145333.3); short protein forms D230N.
Identifiers: ClinVar variation 1313250 (VCV001313250.3), dbSNP rs2127975224, ClinGen allele CA365012329.
Genomic context (GRCh38, chr6:90,553,506, plus strand): 5'-CTTTTTACGAACCATTATGAACAGCCCACATGATTCGGAAAGCTGGGCCACCAATCTCAT[C>T]AAAGGGTTTCCGACGCGTTATCACTTCCCAAAGAATAATACCCCAGCTGAAGACGTCACA-3'
Protein context (NP_663304.1, residues 220-240): WEVITRRKPF[Asp230Asn]EIGGPAFRIM

ClinVar aggregate classification (germline): Uncertain significance (1 of 4 stars; one submission).

Submission:

GeneDx
Classification: Uncertain significance. Last evaluated: 2024-08-27. Review status: criteria provided, single submitter. Criteria: GeneDx Variant Classification Process June 2021. Collection method: clinical testing. Allele origin: germline. Affected: yes.
Comment: Not observed at significant frequency in large population cohorts (gnomAD); In silico analysis indicates that this missense variant does not alter protein structure/function; Has not been previously published as pathogenic or benign to our knowledge